The following is an entry in ClinVar:

NM_032043.3(BRIP1):c.195A>G (p.Gln65=)

Gene: BRIP1 (BRCA1 interacting DNA helicase 1; minus strand). Cytogenetic location: 17q23.2.
Variant type: single nucleotide variant.
Coding change: c.195A>G on transcript NM_032043.3 (MANE Select); coding-DNA position 195, A replaced by G.
Protein change: p.Gln65=; no amino-acid change (glutamine 65 retained).
Molecular consequence: synonymous variant.
Genome position (GRCh38, 1-based): chr17:61,859,806, T>C on the plus strand (A>G on the coding strand, the complement: BRIP1 is on the minus strand). VCF-style: chr17-61859806-T-C. GRCh37 (hg19) VCF-style: chr17-59937167-T-C.
Other names: p.Q65Q:CAA>CAG.
Identifiers: ClinVar variation 182358 (VCV000182358.50), dbSNP rs141436143, ClinGen allele CA298902.

ClinVar aggregate classification (germline): Benign/Likely benign. Review status: criteria provided, multiple submitters, no conflicts (2 of 4 stars). 15 submissions from 14 submitters: Benign (7); Likely benign (6). 2 of the submissions do not count toward it. Last evaluated 2026-02-02.

Conditions:
Hereditary cancer-predisposing syndrome. Also called: Tumor predisposition; Neoplastic Syndromes, Hereditary; Hereditary Cancer Syndrome; Hereditary neoplastic syndrome. Identifiers: Orphanet 140162, MedGen C0027672, MeSH D009386, MONDO:0015356.
Fanconi anemia complementation group J. Also called: BRIP1-Related Fanconi Anemia. Identifiers: Orphanet 84, MedGen C1836860, MONDO:0012187, OMIM 609054.
Familial cancer of breast. Also called: hereditary breast carcinoma; BREAST CANCER, FAMILIAL; Hereditary breast cancer. Identifiers: Orphanet 227535, MedGen C0346153, MONDO:0016419, OMIM 114480. Disease mechanism: loss of function.
Ovarian cancer. Also called: OVARIAN CANCER, SOMATIC. Identifiers: Orphanet 213500, MedGen C1140680, MONDO:0008170, OMIM 167000.

Allele frequency attached by ClinVar (database versions not stated): 1000 Genomes Project 0.00120; gnomAD exomes 0.00006 and 0.00024; ExAC 0.00031; gnomAD 0.00073 and 0.00076; ESP Exome Variant Server 0.00092; TOPMed 0.00093; 1000 Genomes Project 30x 0.00094.
gnomAD v4.1: 213 of 1,611,022 alleles (0.013%); highest among the groups gnomAD compares: African/African-American, 0.24%; 3 homozygotes.

Submissions (15):

Labcorp Genetics (formerly Invitae), Labcorp
Classification: Benign for Familial cancer of breast; Fanconi anemia complementation group J. Last evaluated: 2026-02-02. Review status: criteria provided, single submitter. Criteria: Invitae Variant Classification Sherloc (09022015). Collection method: clinical testing. Allele origin: germline.

Center for Genomic Medicine, Rigshospitalet, Copenhagen University Hospital
Classification: Likely benign. Last evaluated: 2025-12-29. Review status: criteria provided, single submitter. Criteria: ACMG Guidelines, 2015. Collection method: clinical testing. Allele origin: germline.

Institute for Biomarker Research, Medical Diagnostic Laboratories, L.L.C.
Classification: Benign for Hereditary cancer-predisposing syndrome. Last evaluated: 2025-12-15. Review status: criteria provided, single submitter. Criteria: ACMG Guidelines, 2015. Collection method: clinical testing. Allele origin: germline.
Comment: The synonymous variant NM_032043.3(BRIP1):c.195A>G (p.Gln65=) has been reported to ClinVar as Benign/Likely benign with a status of (2 stars) criteria provided, multiple submitters, no conflicts (Accession: VCV000182358.40). The p.Gln65= variant is observed in 6/5,008 (0.1198%) alleles from individuals of 1kG All background in 1kG, which is greater than expected for the disorder. The p.Gln65= variant is not predicted to disrupt the existing donor splice site 11bp upstream by any splice site algorithm. The p.Gln65= variant results in a substitution of a base that is not predicted conserved by GERP++ and PhyloP. For these reasons, this variant has been classified as Benign.

Blueprint Genetics
Classification: Likely benign. Last evaluated: 2024-06-17. Review status: criteria provided, single submitter. Criteria: ACMG Guidelines, 2015. Collection method: clinical testing. Allele origin: germline.

CeGaT Center for Human Genetics Tuebingen
Classification: Likely benign. Last evaluated: 2023-12-01. Review status: criteria provided, single submitter. Criteria: CeGaT Center For Human Genetics Tuebingen Variant Classification Criteria Version 2. Collection method: clinical testing. Allele origin: germline. Affected: yes. Observed: 1 variant allele.
Comment: BRIP1: BP4, BP7

Myriad Genetics, Inc.
Classification: Benign for Familial cancer of breast. Last evaluated: 2023-02-28. Review status: criteria provided, single submitter. Criteria: Myriad Autosomal Dominant, Autosomal Recessive and X-Linked Classification Criteria (2023). Collection method: clinical testing. Allele origin: unknown.
Comment: This variant is considered benign. This variant is a silent/synonymous amino acid change and it is not expected to impact splicing.

Department of Pathology and Laboratory Medicine, Sinai Health System
Classification: Likely benign for Familial cancer of breast. Last evaluated: 2022-10-21. Review status: criteria provided, single submitter. Criteria: ACMG Guidelines, 2015. Collection method: clinical testing. Allele origin: germline. Affected: yes.

Sema4
Classification: Benign for Hereditary cancer-predisposing syndrome. Last evaluated: 2021-03-23. Review status: criteria provided, single submitter. Criteria: Sema4 Curation Guidelines. Collection method: curation. Allele origin: germline.

Quest Diagnostics Nichols Institute San Juan Capistrano
Classification: Benign. Last evaluated: 2019-12-05. Review status: criteria provided, single submitter. Criteria: Quest Diagnostics criteria. Collection method: clinical testing. Allele origin: unknown.

Mendelics
Classification: Likely benign for Familial cancer of breast. Last evaluated: 2019-05-28. Review status: criteria provided, single submitter. Criteria: Mendelics Assertion Criteria 2017. Collection method: clinical testing. Allele origin: unknown.

Color Diagnostics, LLC DBA Color Health
Classification: Benign for Hereditary cancer-predisposing syndrome. Last evaluated: 2016-10-03. Review status: criteria provided, single submitter. Criteria: ACMG Guidelines, 2015. Collection method: clinical testing. Allele origin: germline.

GeneDx
Classification: Benign. Last evaluated: 2014-09-09. Review status: criteria provided, single submitter. Criteria: GeneDx Variant Classification (06012015). Collection method: clinical testing. Allele origin: germline. Affected: yes.
Comment: This variant is considered likely benign or benign based on one or more of the following criteria: it is a conservative change, it occurs at a poorly conserved position in the protein, it is predicted to be benign by multiple in silico algorithms, and/or has population frequency not consistent with disease.

Ambry Genetics
Classification: Likely benign for Hereditary cancer-predisposing syndrome. Last evaluated: 2014-08-13. Review status: criteria provided, single submitter. Criteria: Ambry Variant Classification Scheme 2023. Collection method: clinical testing. Allele origin: germline.

Counsyl
Classification: Likely benign for Fanconi anemia complementation group J. Last evaluated: 2016-09-26. Review status: no assertion criteria provided. Collection method: clinical testing. Allele origin: unknown. Not counted in ClinVar's aggregate classification.

Counsyl
Classification: Likely benign for Ovarian cancer. Last evaluated: 2016-09-26. Review status: no assertion criteria provided. Collection method: clinical testing. Allele origin: unknown. Not counted in ClinVar's aggregate classification.